The following is an entry in ClinVar:

ClinVar aggregate classification (germline): Uncertain significance (1 of 4 stars; one submission).

Allele frequency attached by ClinVar (database versions not stated): gnomAD 0.00001.
gnomAD v4.1: 1 of 1,606,850 alleles (0.000062%); highest among the groups gnomAD compares: Non-Finnish European, 0.000085%; no homozygotes.

Submission:

Labcorp Genetics (formerly Invitae), Labcorp
Classification: Uncertain significance. Last evaluated: 2023-12-27. Review status: criteria provided, single submitter. Criteria: Invitae Variant Classification Sherloc (09022015). Collection method: clinical testing. Allele origin: germline.
Comment: This sequence change replaces aspartic acid, which is acidic and polar, with glutamic acid, which is acidic and polar, at codon 1173 of the ALPK1 protein (p.Asp1173Glu). This variant is not present in population databases (gnomAD no frequency). This variant has not been reported in the literature in individuals affected with ALPK1-related conditions. Algorithms developed to predict the effect of missense changes on protein structure and function output the following: SIFT: "Not Available"; PolyPhen-2: "Benign"; Align-GVGD: "Not Available". The glutamic acid amino acid residue is found in multiple mammalian species, which suggests that this missense change does not adversely affect protein function. In summary, the available evidence is currently insufficient to determine the role of this variant in disease. Therefore, it has been classified as a Variant of Uncertain Significance.

NM_025144.4(ALPK1):c.3519T>A (p.Asp1173Glu)

Gene: ALPK1 (alpha kinase 1; plus strand). Cytogenetic location: 4q25.
Variant type: single nucleotide variant.
Coding change: c.3519T>A on transcript NM_025144.4 (MANE Select); coding-DNA position 3519, T replaced by A.
Protein change: p.Asp1173Glu; replaces aspartic acid 1173 with glutamic acid.
Molecular consequence: missense variant.
Genome position (GRCh38, 1-based): chr4:112,439,853, T>A. VCF-style: chr4-112439853-T-A. GRCh37 (hg19) VCF-style: chr4-113361009-T-A.
Other names: c.3519T>A, p.Asp1173Glu (NM_001102406.2); c.3285T>A, p.Asp1095Glu (NM_001253884.2); short protein forms D1173E, D1095E.
Identifiers: ClinVar variation 2723297 (VCV002723297.3), dbSNP rs1734957007, ClinGen allele CA357910106.